The following is an entry in ClinVar:

NM_000093.5(COL5A1):c.2485-146T>C

Gene: COL5A1 (collagen type V alpha 1 chain; plus strand). Cytogenetic location: 9q34.3.
Variant type: single nucleotide variant.
Coding change: c.2485-146T>C on transcript NM_000093.5 (MANE Select); 146 bases into the intron before coding-DNA position 2485, T replaced by C.
Molecular consequence: intron variant.
Genome position (GRCh38, 1-based): chr9:134,784,843, T>C. VCF-style: chr9-134784843-T-C. GRCh37 (hg19) VCF-style: chr9-137676689-T-C.
Other names: c.2485-146T>C (NM_001278074.1).
Identifiers: ClinVar variation 674559 (VCV000674559.2), dbSNP rs7865186, ClinGen allele CA201105021.
Genomic context (GRCh38, chr9:134,784,843, plus strand): 5'-GAGCCCGGGAATTCGCGGTACAATGCGCTCGCTTTGTCAGTGGCTCCGGGAGCAGCTCCG[T>C]GGTCTGAGTGAGGCCGAGCTGGTGGAGCAGCTCTGACCACAGGGTGCCTGTGACCTGTCC-3'

ClinVar aggregate classification (germline): Benign. Review status: criteria provided, multiple submitters, no conflicts (2 of 4 stars). 2 submissions from 2 submitters: Benign (2). Last evaluated 2018-06-14.

Allele frequency attached by ClinVar (database versions not stated): gnomAD exomes 0.07243; gnomAD 0.10800 and 0.11019; TOPMed 0.10969; 1000 Genomes Project 0.11701; 1000 Genomes Project 30x 0.11711.
gnomAD v4.1: 54,299 of 671,712 alleles (8.1%); highest among the groups gnomAD compares: African/African-American, 20%; 3,030 homozygotes.

Submissions (2):

GeneDx
Classification: Benign. Last evaluated: 2018-06-14. Review status: criteria provided, single submitter. Criteria: GeneDx Variant Classification (06012015). Collection method: clinical testing. Allele origin: germline. Affected: yes.
Comment: This variant is considered likely benign or benign based on one or more of the following criteria: it is a conservative change, it occurs at a poorly conserved position in the protein, it is predicted to be benign by multiple in silico algorithms, and/or has population frequency not consistent with disease.

Breakthrough Genomics
Classification: Benign. Review status: criteria provided, single submitter. Criteria: ACMG Guidelines, 2015. Collection method: not provided. Allele origin: germline. Inheritance: Autosomal dominant inheritance. Affected: yes.